The following is an entry in ClinVar:

NM_000059.4(BRCA2):c.7060C>G (p.Gln2354Glu)

Gene: BRCA2 (BRCA2 DNA repair associated; plus strand). Cytogenetic location: 13q13.1.
Variant type: single nucleotide variant.
Coding change: c.7060C>G on transcript NM_000059.4 (MANE Select); coding-DNA position 7060, C replaced by G.
Protein change: p.Gln2354Glu; replaces glutamine 2354 with glutamic acid.
Molecular consequence: missense variant.
Genome position (GRCh38, 1-based): chr13:32,354,913, C>G. VCF-style: chr13-32354913-C-G. GRCh37 (hg19) VCF-style: chr13-32929050-C-G.
Other names: c.6964C>G, p.Gln2322Glu (NM_001406719.1); c.7060C>G, p.Gln2354Glu (NM_001406720.1); c.2128C>G, p.Gln710Glu (NM_001406721.1); c.643C>G, p.Gln215Glu (NM_001406722.1); short protein forms Q710E, Q2322E, Q2354E, Q215E.
Identifiers: ClinVar variation 1756955 (VCV001756955.3), dbSNP rs80358936, ClinGen allele CA387738334.

ClinVar aggregate classification (germline): Uncertain significance. Review status: criteria provided, multiple submitters, no conflicts (2 of 4 stars). 2 submissions from 2 submitters: Uncertain significance (2). Last evaluated 2025-04-03.

Conditions:
Hereditary cancer-predisposing syndrome. Also called: Neoplastic Syndromes, Hereditary; Tumor predisposition; Hereditary Cancer Syndrome; Hereditary neoplastic syndrome. Identifiers: Orphanet 140162, MedGen C0027672, MeSH D009386, MONDO:0015356.

Allele frequency attached by ClinVar (database versions not stated): TOPMed below 0.00001; gnomAD 0.00001.
gnomAD v4.1: 1 of 1,613,602 alleles (0.000062%); highest among the groups gnomAD compares: Admixed American, 0.0017%; no homozygotes.

Submissions (2):

Quest Diagnostics Nichols Institute San Juan Capistrano
Classification: Uncertain significance. Last evaluated: 2025-04-03. Review status: criteria provided, single submitter. Criteria: Quest Diagnostics criteria. Collection method: clinical testing. Allele origin: unknown.
Comment: The BRCA2 c.7060C>G (p.Gln2354Glu) variant has not been reported in individuals with BRCA2-related conditions in the published literature. The frequency of this variant in the general population (Genome Aggregation Database) is uninformative in the assessment of its pathogenicity. Analysis of this variant using bioinformatics tools for the prediction of the effect of amino acid changes on protein structure and function yielded conflicting predictions that this variant is benign or damaging. Based on the available information, we are unable to determine the clinical significance of this variant.

Ambry Genetics
Classification: Uncertain significance for Hereditary cancer-predisposing syndrome. Last evaluated: 2021-12-30. Review status: criteria provided, single submitter. Criteria: Ambry Variant Classification Scheme 2023. Collection method: clinical testing. Allele origin: germline.
Comment: The p.Q2354E variant (also known as c.7060C>G), located in coding exon 13 of the BRCA2 gene, results from a C to G substitution at nucleotide position 7060. The glutamine at codon 2354 is replaced by glutamic acid, an amino acid with highly similar properties. This amino acid position is conserved. In addition, the in silico prediction for this alteration is inconclusive. Since supporting evidence is limited at this time, the clinical significance of this alteration remains unclear.